The following is an entry in ClinVar:

ClinVar aggregate classification (germline): Uncertain significance (1 of 4 stars; one submission).

Conditions:
Fanconi anemia (FA). Also called: Fanconi's anemia. Identifiers: Orphanet 84, MedGen C0015625, MeSH D005199, MONDO:0019391.

gnomAD v4.1: 4 of 1,548,876 alleles (0.00026%); highest among the groups gnomAD compares: South Asian, 0.0048%; no homozygotes.

Submission:

Labcorp Genetics (formerly Invitae), Labcorp
Classification: Uncertain significance for Fanconi anemia. Last evaluated: 2021-09-04. Review status: criteria provided, single submitter. Criteria: Invitae Variant Classification Sherloc (09022015). Collection method: clinical testing. Allele origin: germline.
Comment: In summary, the available evidence is currently insufficient to determine the role of this variant in disease. Therefore, it has been classified as a Variant of Uncertain Significance. Advanced modeling of protein sequence and biophysical properties (such as structural, functional, and spatial information, amino acid conservation, physicochemical variation, residue mobility, and thermodynamic stability) performed at Invitae indicates that this missense variant is not expected to disrupt FANCA protein function. This variant has not been reported in the literature in individuals affected with FANCA-related conditions. This variant is not present in population databases (ExAC no frequency). This sequence change replaces alanine with glutamic acid at codon 635 of the FANCA protein (p.Ala635Glu). The alanine residue is weakly conserved and there is a moderate physicochemical difference between alanine and glutamic acid.

NM_000135.4(FANCA):c.1904C>A (p.Ala635Glu)

Gene: FANCA (FA complementation group A; minus strand). Cytogenetic location: 16q24.3.
Variant type: single nucleotide variant.
Coding change: c.1904C>A on transcript NM_000135.4 (MANE Select); coding-DNA position 1904, C replaced by A.
Protein change: p.Ala635Glu; replaces alanine 635 with glutamic acid.
Molecular consequence: missense variant.
Genome position (GRCh38, 1-based): chr16:89,773,381, G>T on the plus strand (C>A on the coding strand, the complement: FANCA is on the minus strand). VCF-style: chr16-89773381-G-T. GRCh37 (hg19) VCF-style: chr16-89839789-G-T.
Other names: c.1904C>A, p.Ala635Glu (NM_001286167.3); short protein forms A635E.
Identifiers: ClinVar variation 1450691 (VCV001450691.6), dbSNP rs142217479, ClinGen allele CA397450429.